The following is an entry in ClinVar:

ClinVar aggregate classification (germline): Uncertain significance. Review status: criteria provided, multiple submitters, no conflicts (2 of 4 stars). 2 submissions from 2 submitters: Uncertain significance (2). Last evaluated 2024-05-06.

Conditions:
Multiple endocrine neoplasia, type 1 (MEN1). Also called: Endocrine adenomatosis multiple; MEN 1; MEN I; WERMER SYNDROME; MEA I. Identifiers: Orphanet 652, MedGen C0025267, MeSH D018761, MONDO:0007540, OMIM 131100.
Hereditary cancer-predisposing syndrome. Also called: Tumor predisposition; Hereditary neoplastic syndrome; Neoplastic Syndromes, Hereditary; Hereditary Cancer Syndrome. Identifiers: Orphanet 140162, MedGen C0027672, MeSH D009386, MONDO:0015356.

Allele frequency attached by ClinVar (database versions not stated): gnomAD exomes below 0.00001.
gnomAD v4.1: 5 of 1,614,200 alleles (0.00031%); highest among the groups gnomAD compares: Non-Finnish European, 0.00042%; no homozygotes.

Submissions (2):

Labcorp Genetics (formerly Invitae), Labcorp
Classification: Uncertain significance for Multiple endocrine neoplasia, type 1. Last evaluated: 2024-05-06. Review status: criteria provided, single submitter. Criteria: Invitae Variant Classification Sherloc (09022015). Collection method: clinical testing. Allele origin: germline.
Comment: This sequence change replaces aspartic acid, which is acidic and polar, with asparagine, which is neutral and polar, at codon 343 of the MEN1 protein (p.Asp343Asn). This variant is not present in population databases (gnomAD no frequency). This variant has not been reported in the literature in individuals affected with MEN1-related conditions. ClinVar contains an entry for this variant (Variation ID: 1519915). Advanced modeling of protein sequence and biophysical properties (such as structural, functional, and spatial information, amino acid conservation, physicochemical variation, residue mobility, and thermodynamic stability) has been performed at Invitae for this missense variant, however the output from this modeling did not meet the statistical confidence thresholds required to predict the impact of this variant on MEN1 protein function. In summary, the available evidence is currently insufficient to determine the role of this variant in disease. Therefore, it has been classified as a Variant of Uncertain Significance.

Ambry Genetics
Classification: Uncertain significance for Hereditary cancer-predisposing syndrome. Last evaluated: 2022-10-31. Review status: criteria provided, single submitter. Criteria: Ambry Variant Classification Scheme 2023. Collection method: clinical testing. Allele origin: germline.
Comment: The p.D343N variant (also known as c.1027G>A), located in coding exon 6 of the MEN1 gene, results from a G to A substitution at nucleotide position 1027. The aspartic acid at codon 343 is replaced by asparagine, an amino acid with highly similar properties. This amino acid position is conserved. In addition, this alteration is predicted to be tolerated by in silico analysis. Since supporting evidence is limited at this time, the clinical significance of this alteration remains unclear.

NM_001370259.2(MEN1):c.1027G>A (p.Asp343Asn)

Gene: MEN1 (menin 1; minus strand). Cytogenetic location: 11q13.1.
Variant type: single nucleotide variant.
Coding change: c.1027G>A on transcript NM_001370259.2 (MANE Select); coding-DNA position 1027, G replaced by A.
Protein change: p.Asp343Asn; replaces aspartic acid 343 with asparagine.
Molecular consequence: missense variant.
Genome position (GRCh38, 1-based): chr11:64,806,254, C>T on the plus strand (G>A on the coding strand, the complement: MEN1 is on the minus strand). VCF-style: chr11-64806254-C-T. GRCh37 (hg19) VCF-style: chr11-64573726-C-T.
Other names: c.1042G>A, p.Asp348Asn (NM_000244.4, NM_130800.3, NM_130801.3 and 3 more transcripts); c.1027G>A, p.Asp343Asn (NM_001370251.2, NM_001370260.2, NM_001370261.2 and 1 more transcripts); c.922G>A, p.Asp308Asn (NM_001370262.2, NM_001370263.2); short protein forms D343N, D308N, D348N.
Identifiers: ClinVar variation 1519915 (VCV001519915.10), dbSNP rs2136118303, ClinGen allele CA381183220.